The following is an entry in ClinVar:

NC_000002.11:g.(?_179425803)_(179544953_?)del

Gene: TTN (titin; minus strand). Cytogenetic location: 2q31.2.
Variant type: Deletion.
Identifiers: ClinVar variation 2424045 (VCV002424045.6).

ClinVar aggregate classification (germline): Likely pathogenic (1 of 4 stars; one submission).

Conditions:
Dilated cardiomyopathy 1G (CMD1G). Identifiers: Orphanet 154, MedGen C1858763, MONDO:0011400, OMIM 604145.
Autosomal recessive limb-girdle muscular dystrophy type 2J (LGMDR10). Also called: MUSCULAR DYSTROPHY, LIMB-GIRDLE, AUTOSOMAL RECESSIVE 10; Limb-girdle muscular dystrophy, type 2J. Identifiers: Orphanet 140922, MedGen C1837342, MONDO:0012127, OMIM 608807.

Submission:

Labcorp Genetics (formerly Invitae), Labcorp
Classification: Likely pathogenic for Dilated cardiomyopathy 1G; Autosomal recessive limb-girdle muscular dystrophy type 2J. Last evaluated: 2023-11-13. Review status: criteria provided, single submitter. Criteria: Invitae Variant Classification Sherloc (09022015). Collection method: clinical testing. Allele origin: germline.
Comment: This variant results in the deletion of exons 140-325 and part of exon 326 of the TTN gene. It is expected to disrupt RNA splicing and likely results in a truncated or disrupted TTN protein. This variant has not been reported in the literature in individuals affected with TTN-related conditions. This variant disrupts the I and A bands of TTN (PMID: 25589632). Truncating variants in the A band are significantly overrepresented in patients affected with dilated cardiomyopathy (PMID: 25589632). Truncating variants in this region have also been reported in individuals affected with autosomal recessive centronuclear myopathy (PMID: 23975875).‚Äú In summary, the currently available evidence indicates that the variant is pathogenic, but additional data are needed to prove that conclusively. Therefore, this variant has been classified as Likely Pathogenic.

Literature cited by the submitters: PubMed 25589632; PubMed 23975875.